The following is an entry in ClinVar:

NM_000238.4(KCNH2):c.2593-15_2593-5del

Gene: KCNH2 (potassium voltage-gated channel subfamily H member 2; minus strand). Cytogenetic location: 7q36.1.
Variant type: Deletion.
Coding change: c.2593-15_2593-5del on transcript NM_000238.4 (MANE Select); 15 bases into the intron before coding-DNA position 2593 through 5 bases into the intron before coding-DNA position 2593, 11 bases deleted (TGATTTTGGTT).
Molecular consequence: intron variant.
Genome position (GRCh38, 1-based): chr7:150,948,548-150,948,558, AACCAAAATCA deleted on the plus strand (TGATTTTGGTT on the coding strand, the reverse complement: KCNH2 is on the minus strand). VCF-style (leftmost placement, unchanged base first): chr7-150948547-GAACCAAAATCA-G. GRCh37 (hg19) VCF-style: chr7-150645635-GAACCAAAATCA-G.
Other names: c.1573-15_1573-5del (NM_172057.3).
Identifiers: ClinVar variation 1793543 (VCV001793543.3), dbSNP rs2486013096, ClinGen allele CA2580077782.

ClinVar aggregate classification (germline): Uncertain significance (1 of 4 stars; one submission).

Conditions:
Cardiovascular phenotype. Identifiers: MedGen CN230736.

Submission:

Ambry Genetics
Classification: Uncertain significance for Cardiovascular phenotype. Last evaluated: 2026-08-24. Review status: criteria provided, single submitter. Criteria: Ambry Variant Classification Scheme 2023. Collection method: clinical testing. Allele origin: germline.
Comment: The c.2593-15_2593-5del11 intronic variant, located in intron 10 of the KCNH2 gene, results from a deletion of 11 nucleotides within intron 10 of the KCNH2 gene. These nucleotide positions are not well conserved in available vertebrate species. In silico splice site analysis predicts that this alteration will weaken the native splice donor site and will result in the creation or strengthening of a novel splice donor site. Based on the available evidence, the clinical significance of this variant remains unclear.